The following is an entry in ClinVar:

NM_001364905.1(LRBA):c.6391T>C (p.Phe2131Leu)

Gene: LRBA (LPS responsive beige-like anchor protein; minus strand). Cytogenetic location: 4q31.3.
Variant type: single nucleotide variant.
Coding change: c.6391T>C on transcript NM_001364905.1 (MANE Select); coding-DNA position 6391, T replaced by C.
Protein change: p.Phe2131Leu; replaces phenylalanine 2131 with leucine.
Molecular consequence: missense variant.
Genome position (GRCh38, 1-based): chr4:150,490,975, A>G on the plus strand (T>C on the coding strand, the complement: LRBA is on the minus strand). VCF-style: chr4-150490975-A-G. GRCh37 (hg19) VCF-style: chr4-151412127-A-G.
Other names: c.6391T>C, p.Phe2131Leu (NM_001199282.3, NM_001367550.1); c.6424T>C, p.Phe2142Leu (NM_006726.5); short protein forms F2131L, F2142L.
Identifiers: ClinVar variation 1038663 (VCV001038663.6), dbSNP rs1277136491, ClinGen allele CA358607456.

ClinVar aggregate classification (germline): Uncertain significance (1 of 4 stars; one submission).

Conditions:
Combined immunodeficiency due to LRBA deficiency. Also called: Common variable immunodeficiency 8, with autoimmunity. Identifiers: Orphanet 445018, MedGen C3553512, MONDO:0013863, OMIM 614700.

Allele frequency attached by ClinVar (database versions not stated): gnomAD 0.00001; gnomAD exomes 0.00002; TOPMed 0.00002.
gnomAD v4.1: 23 of 1,610,360 alleles (0.0014%); highest among the groups gnomAD compares: Non-Finnish European, 0.002%; no homozygotes.

Submission:

Labcorp Genetics (formerly Invitae), Labcorp
Classification: Uncertain significance for Combined immunodeficiency due to LRBA deficiency. Last evaluated: 2021-09-01. Review status: criteria provided, single submitter. Criteria: Invitae Variant Classification Sherloc (09022015). Collection method: clinical testing. Allele origin: germline.
Comment: This sequence change replaces phenylalanine with leucine at codon 2142 of the LRBA protein (p.Phe2142Leu). The phenylalanine residue is moderately conserved and there is a small physicochemical difference between phenylalanine and leucine. This variant is not present in population databases (ExAC no frequency). This variant has not been reported in the literature in individuals affected with LRBA-related conditions. Algorithms developed to predict the effect of missense changes on protein structure and function are either unavailable or do not agree on the potential impact of this missense change (SIFT: "Tolerated"; PolyPhen-2: "Probably Damaging"; Align-GVGD: "Class C0"). In summary, the available evidence is currently insufficient to determine the role of this variant in disease. Therefore, it has been classified as a Variant of Uncertain Significance.